The following is an entry in ClinVar:

NM_020461.4(TUBGCP6):c.3155C>G (p.Thr1052Ser)

Gene: TUBGCP6 (tubulin gamma complex component 6; minus strand). Cytogenetic location: 22q13.33.
Variant type: single nucleotide variant.
Coding change: c.3155C>G on transcript NM_020461.4 (MANE Select); coding-DNA position 3155, C replaced by G.
Protein change: p.Thr1052Ser; replaces threonine 1052 with serine.
Molecular consequence: missense variant.
Genome position (GRCh38, 1-based): chr22:50,221,204, G>C on the plus strand (C>G on the coding strand, the complement: TUBGCP6 is on the minus strand). VCF-style: chr22-50221204-G-C. GRCh37 (hg19) VCF-style: chr22-50659633-G-C.
Other names: short protein forms T1052S.
Identifiers: ClinVar variation 2009729 (VCV002009729.4), dbSNP rs1302170668, ClinGen allele CA412184614.

ClinVar aggregate classification (germline): Uncertain significance (1 of 4 stars; one submission).

Allele frequency attached by ClinVar (database versions not stated): TOPMed below 0.00001.

Submission:

Labcorp Genetics (formerly Invitae), Labcorp
Classification: Uncertain significance. Last evaluated: 2022-10-04. Review status: criteria provided, single submitter. Criteria: Invitae Variant Classification Sherloc (09022015). Collection method: clinical testing. Allele origin: germline.
Comment: This variant is not present in population databases (gnomAD no frequency). This sequence change replaces threonine, which is neutral and polar, with serine, which is neutral and polar, at codon 1052 of the TUBGCP6 protein (p.Thr1052Ser). In summary, the available evidence is currently insufficient to determine the role of this variant in disease. Therefore, it has been classified as a Variant of Uncertain Significance. Algorithms developed to predict the effect of missense changes on protein structure and function (SIFT, PolyPhen-2, Align-GVGD) all suggest that this variant is likely to be tolerated. This variant has not been reported in the literature in individuals affected with TUBGCP6-related conditions.